The following is an entry in ClinVar:

NM_000059.4(BRCA2):c.4130A>G (p.Asn1377Ser)

Gene: BRCA2 (BRCA2 DNA repair associated; plus strand). Cytogenetic location: 13q13.1.
Variant type: single nucleotide variant.
Coding change: c.4130A>G on transcript NM_000059.4 (MANE Select); coding-DNA position 4130, A replaced by G.
Protein change: p.Asn1377Ser; replaces asparagine 1377 with serine.
Molecular consequence: missense variant.
Genome position (GRCh38, 1-based): chr13:32,338,485, A>G. VCF-style: chr13-32338485-A-G. GRCh37 (hg19) VCF-style: chr13-32912622-A-G.
Other names: c.4130A>G, p.Asn1377Ser (NM_001406719.1, NM_001406720.1); short protein forms N1377S.
Identifiers: ClinVar variation 1718958 (VCV001718958.11), dbSNP rs749624669, ClinGen allele CA6940753.

ClinVar aggregate classification (germline): Conflicting classifications of pathogenicity. Review status: criteria provided, conflicting classifications (1 of 4 stars). 5 submissions from 5 submitters: Uncertain significance (4); Likely benign (1). Last evaluated 2025-08-26.

Conditions:
Hereditary breast ovarian cancer syndrome. Also called: Breast and ovarian cancer; Hereditary breast and ovarian cancer syndrome; Hereditary breast and ovarian cancer syndrome (HBOC); Hereditary breast and/or ovarian cancer syndrome; Hereditary breast and ovarian cancer; BRCA1- and BRCA2-Associated Hereditary Breast and Ovarian Cancer. Identifiers: Orphanet 145, MedGen C0677776, MeSH D061325, MONDO:0003582. Disease mechanism: loss of function.
Breast-ovarian cancer, familial, susceptibility to, 2 (BROVCA2). Also called: BRCA2 Hereditary Breast and Ovarian Cancer. Identifiers: Orphanet 145, MedGen C2675520, MONDO:0012933, OMIM 612555. Disease mechanism: loss of function.
Hereditary cancer-predisposing syndrome. Also called: Hereditary neoplastic syndrome; Tumor predisposition; Neoplastic Syndromes, Hereditary; Hereditary Cancer Syndrome. Identifiers: Orphanet 140162, MedGen C0027672, MeSH D009386, MONDO:0015356.

Allele frequency attached by ClinVar (database versions not stated): gnomAD exomes below 0.00001; ExAC 0.00001.
gnomAD v4.1: 1 of 1,609,324 alleles (0.000062%); highest among the groups gnomAD compares: Admixed American, 0.0017%; no homozygotes.

Submissions (5):

Color Diagnostics, LLC DBA Color Health
Classification: Uncertain significance for Hereditary cancer-predisposing syndrome. Last evaluated: 2025-08-26. Review status: criteria provided, single submitter. Criteria: ACMG Guidelines, 2015. Collection method: clinical testing. Allele origin: germline.
Comment: This missense variant replaces asparagine with serine at codon 1377 of the BRCA2 protein. Computational prediction suggests that this variant may not impact protein structure and function. To our knowledge, functional studies have not been reported for this variant. This variant has not been reported in individuals affected with BRCA2-related disorders in the literature. This variant has been identified in 1/246502 chromosomes in the general population by the Genome Aggregation Database (gnomAD). The available evidence is insufficient to determine the role of this variant in disease conclusively. Therefore, this variant is classified as a Variant of Uncertain Significance.

All of Us Research Program, National Institutes of Health
Classification: Uncertain significance for Breast-ovarian cancer, familial, susceptibility to, 2. Last evaluated: 2023-06-28. Review status: criteria provided, single submitter. Criteria: ACMG Guidelines, 2015. Collection method: clinical testing. Allele origin: germline. Inheritance: Autosomal dominant inheritance. Observed: 1 variant allele, 1 heterozygote.
Comment: This study involves interpretation of variants in research participants for the purpose of population health screening. Participant phenotype was not available at the time of variant classification. Additional details can be found in publication PMID: 35346344, PMCID: PMC8962531

Ambry Genetics
Classification: Uncertain significance for Hereditary cancer-predisposing syndrome. Last evaluated: 2023-06-21. Review status: criteria provided, single submitter. Criteria: Ambry Variant Classification Scheme 2023. Collection method: clinical testing. Allele origin: germline.
Comment: The p.N1377S variant (also known as c.4130A>G), located in coding exon 10 of the BRCA2 gene, results from an A to G substitution at nucleotide position 4130. The asparagine at codon 1377 is replaced by serine, an amino acid with highly similar properties. This amino acid position is not well conserved in available vertebrate species. In addition, this alteration is predicted to be tolerated by in silico analysis. Since supporting evidence is limited at this time, the clinical significance of this alteration remains unclear.

Labcorp Genetics (formerly Invitae), Labcorp
Classification: Uncertain significance for Hereditary breast ovarian cancer syndrome. Last evaluated: 2023-06-19. Review status: criteria provided, single submitter. Criteria: Invitae Variant Classification Sherloc (09022015). Collection method: clinical testing. Allele origin: germline.
Comment: This variant is present in population databases (rs749624669, gnomAD 0.003%). In summary, the available evidence is currently insufficient to determine the role of this variant in disease. Therefore, it has been classified as a Variant of Uncertain Significance. Advanced modeling of protein sequence and biophysical properties (such as structural, functional, and spatial information, amino acid conservation, physicochemical variation, residue mobility, and thermodynamic stability) performed at Invitae indicates that this missense variant is not expected to disrupt BRCA2 protein function. ClinVar contains an entry for this variant (Variation ID: 1718958). This variant has not been reported in the literature in individuals affected with BRCA2-related conditions. This sequence change replaces asparagine, which is neutral and polar, with serine, which is neutral and polar, at codon 1377 of the BRCA2 protein (p.Asn1377Ser).

University of Washington Department of Laboratory Medicine, University of Washington
Classification: Likely benign for Hereditary cancer-predisposing syndrome. Last evaluated: 2023-03-23. Review status: criteria provided, single submitter. Criteria: Dines et al. (Genet Med. 2020). Collection method: curation. Allele origin: germline.
Comment: Missense variant in a coldspot region where missense variants are very unlikely to be pathogenic (PMID:31911673).

BRCA2 exon 11 coldspot. Reclassification based on statistical prior probability.